The following is an entry in ClinVar:

ClinVar aggregate classification (germline): Uncertain significance (1 of 4 stars; one submission).

Conditions:
Charcot-Marie-Tooth disease axonal type 2L. Also called: CHARCOT-MARIE-TOOTH DISEASE, AXONAL, AUTOSOMAL DOMINANT, TYPE 2L; CHARCOT-MARIE-TOOTH NEUROPATHY, AXONAL, TYPE 2L; Charcot-Marie-Tooth Neuropathy Type 2L. Identifiers: Orphanet 99945, MedGen C1837552, MONDO:0012096, OMIM 608673.

Allele frequency attached by ClinVar (database versions not stated): ExAC 0.00001; TOPMed 0.00002; gnomAD exomes 0.00003; ESP Exome Variant Server 0.00008.
gnomAD v4.1: 39 of 1,614,088 alleles (0.0024%); highest among the groups gnomAD compares: Non-Finnish European, 0.0033%; no homozygotes.

Submission:

Labcorp Genetics (formerly Invitae), Labcorp
Classification: Uncertain significance for Charcot-Marie-Tooth disease axonal type 2L. Last evaluated: 2024-11-04. Review status: criteria provided, single submitter. Criteria: Invitae Variant Classification Sherloc (09022015). Collection method: clinical testing. Allele origin: germline.
Comment: This sequence change replaces glutamine, which is neutral and polar, with glutamic acid, which is acidic and polar, at codon 130 of the HSPB8 protein (p.Gln130Glu). This variant is present in population databases (rs372596104, gnomAD 0.0009%). This variant has not been reported in the literature in individuals affected with HSPB8-related conditions. ClinVar contains an entry for this variant (Variation ID: 3015421). An algorithm developed to predict the effect of missense changes on protein structure and function (PolyPhen-2) suggests that this variant is likely to be tolerated. In summary, the available evidence is currently insufficient to determine the role of this variant in disease. Therefore, it has been classified as a Variant of Uncertain Significance.

NM_014365.3(HSPB8):c.388C>G (p.Gln130Glu)

Gene: HSPB8 (heat shock protein family B (small) member 8; plus strand). Cytogenetic location: 12q24.23.
Variant type: single nucleotide variant.
Coding change: c.388C>G on transcript NM_014365.3 (MANE Select); coding-DNA position 388, C replaced by G.
Protein change: p.Gln130Glu; replaces glutamine 130 with glutamic acid.
Molecular consequence: missense variant.
Genome position (GRCh38, 1-based): chr12:119,187,045, C>G. VCF-style: chr12-119187045-C-G. GRCh37 (hg19) VCF-style: chr12-119624850-C-G.
Other names: short protein forms Q130E.
Identifiers: ClinVar variation 3015421 (VCV003015421.3), dbSNP rs372596104, ClinGen allele CA6819573.
Genomic context (GRCh38, chr12:119,187,045, plus strand): 5'-GAACATAGATGCTGACACGCCACACTTTTCTTCCTTCCAGGCAAACATGAAGAGAAACAG[C>G]AAGAAGGTGGCATTGTTTCTAAGAACTTCACAAAGAAAATCCAGTAAGTAACCTGGAGTC-3'
Protein context (NP_055180.1, residues 120-140): EVSGKHEEKQ[Gln130Glu]EGGIVSKNFT